The following is an entry in ClinVar:

ClinVar aggregate classification (germline): Conflicting classifications of pathogenicity. Review status: criteria provided, conflicting classifications (1 of 4 stars). 3 submissions from 3 submitters: Uncertain significance (2); Likely benign (1). Last evaluated 2026-06-01.

Allele frequency attached by ClinVar (database versions not stated): ESP Exome Variant Server 0.00147.
gnomAD v4.1: 1,451 of 1,613,838 alleles (0.09%); highest among the groups gnomAD compares: Non-Finnish European, 0.12%; 2 homozygotes.

Submissions (3):

CeGaT Center for Human Genetics Tuebingen
Classification: Likely benign. Last evaluated: 2026-06-01. Review status: criteria provided, single submitter. Criteria: CeGaT Center For Human Genetics Tuebingen Variant Classification Criteria Version 2. Collection method: clinical testing. Allele origin: germline. Affected: yes. Observed: 1 variant allele.
Comment: XPO5: BP4

Labcorp Genetics (formerly Invitae), Labcorp
Classification: Uncertain significance. Last evaluated: 2025-12-28. Review status: criteria provided, single submitter. Criteria: Invitae Variant Classification Sherloc (09022015). Collection method: clinical testing. Allele origin: germline.
Comment: This sequence change replaces arginine, which is basic and polar, with glutamine, which is neutral and polar, at codon 720 of the XPO5 protein (p.Arg720Gln). This variant is present in population databases (rs200463953, gnomAD 0.07%), and has an allele count higher than expected for a pathogenic variant. This variant has not been reported in the literature in individuals affected with XPO5-related conditions. ClinVar contains an entry for this variant (Variation ID: 1377342). An algorithm developed to predict the effect of missense changes on protein structure and function (PolyPhen-2) suggests that this variant is likely to be tolerated. In summary, the available evidence is currently insufficient to determine the role of this variant in disease. Therefore, it has been classified as a Variant of Uncertain Significance.

Ambry Genetics
Classification: Uncertain significance. Last evaluated: 2024-01-23. Review status: criteria provided, single submitter. Criteria: Ambry Variant Classification Scheme 2023. Collection method: clinical testing. Allele origin: germline.

NM_020750.3(XPO5):c.2159G>A (p.Arg720Gln)

Genes: POLR1C (RNA polymerase I and III subunit C; plus strand), XPO5 (exportin 5; minus strand), LOC126859677 (BRD4-independent group 4 enhancer GRCh37_chr6:43514706-43515905; plus strand). Cytogenetic location: 6p21.1.
Variant type: single nucleotide variant.
Coding change: c.2159G>A on transcript NM_020750.3 (MANE Select); coding-DNA position 2159, G replaced by A.
Protein change: p.Arg720Gln; replaces arginine 720 with glutamine.
Molecular consequence: missense variant. On other transcripts: non-coding transcript variant (1), intron variant (1).
Genome position (GRCh38, 1-based): chr6:43,547,609, C>T on the plus strand (G>A on the coding strand, the complement: XPO5 is on the minus strand). VCF-style: chr6-43547609-C-T. GRCh37 (hg19) VCF-style: chr6-43515346-C-T.
Other names: c.923-3359C>T (NM_001363658.2); short protein forms R720Q.
Identifiers: ClinVar variation 1377342 (VCV001377342.9), dbSNP rs200463953, ClinGen allele CA3826231.
Genomic context (GRCh38, chr6:43,547,609, plus strand): 5'-GACAACACCCTACTCCTACCCATGGCCAATGCCACTTCCCATTCCCAGGAAAGTCTTACT[C>T]GTGCACGGTTTAAGCCACACGGATCCTCCAGGCCTGGGTCACAGCTCTTCTGATCTGTAC-3'
Protein context (NP_065801.1, residues 710-730): LEDPCGLNRA[Arg720Gln]MSFCVYSILG